The following is an entry in ClinVar:

NM_024426.6(WT1):c.-4G>A

Genes: WT1 (WT1 transcription factor; minus strand), LOC107982234 (WT1/WT1-AS bi-directional promoter region; plus strand). Cytogenetic location: 11p13.
Variant type: single nucleotide variant.
Coding change: c.-4G>A on transcript NM_024426.6 (MANE Select); 4 bases upstream of the start codon, G replaced by A.
Molecular consequence: 5 prime UTR variant. On other transcripts: non-coding transcript variant (2).
Genome position (GRCh38, 1-based): chr11:32,435,364, C>T on the plus strand (G>A on the coding strand, the complement: WT1 is on the minus strand). VCF-style: chr11-32435364-C-T. GRCh37 (hg19) VCF-style: chr11-32456910-C-T.
Other names: c.-4G>A (NM_000378.6, NM_001407044.1, NM_001407045.1 and 6 more transcripts); c.-223G>A (NM_001429031.1, NM_001429032.1, NM_001429033.1 and 1 more transcripts).
Identifiers: ClinVar variation 3817442 (VCV003817442.1).

ClinVar aggregate classification (germline): Uncertain significance (1 of 4 stars; one submission).

Conditions:
Inborn genetic diseases. Identifiers: MedGen C0950123, MeSH D030342.

gnomAD v4.1: 56 of 1,327,138 alleles (0.0042%); highest among the groups gnomAD compares: Middle Eastern, 0.03%; no homozygotes.

Submission:

Ambry Genetics
Classification: Uncertain significance for Inborn genetic diseases. Last evaluated: 2024-12-31. Review status: criteria provided, single submitter. Criteria: Ambry Variant Classification Scheme 2023. Collection method: clinical testing. Allele origin: germline.
Comment: The c.-19G>A variant is located in the 5' untranslated region (5&rsquo; UTR) of the WT1 gene. This variant results from a G to A substitution 19 bases upstream from the first translated codon. This nucleotide position is highly conserved in available vertebrate species. Based on the available evidence, the clinical significance of this variant remains unclear.